The following is an entry in ClinVar:

ClinVar aggregate classification (germline): Likely benign (1 of 4 stars; one submission).

Allele frequency attached by ClinVar (database versions not stated): gnomAD 0.00012; TOPMed 0.00014; gnomAD exomes 0.00015; ExAC 0.00023; ESP Exome Variant Server 0.00028.
gnomAD v4.1: 175 of 1,204,894 alleles (0.015%); highest among the groups gnomAD compares: Non-Finnish European, 0.019%; no homozygotes.

Submission:

CeGaT Center for Human Genetics Tuebingen
Classification: Likely benign. Last evaluated: 2026-01-01. Review status: criteria provided, single submitter. Criteria: CeGaT Center For Human Genetics Tuebingen Variant Classification Criteria Version 2. Collection method: clinical testing. Allele origin: germline. Affected: yes. Observed: 3 variant alleles.
Comment: CASK: BS2; GPR82: BP4, BP7, BS2

NM_080817.5(GPR82):c.510T>C (p.Val170=)

Genes: CASK (calcium/calmodulin dependent serine protein kinase; minus strand), GPR82 (G protein-coupled receptor 82; plus strand). Cytogenetic location: Xp11.4.
Variant type: single nucleotide variant.
Coding change: c.510T>C on transcript NM_080817.5 (MANE Select); coding-DNA position 510, T replaced by C.
Protein change: p.Val170=; no amino-acid change (valine 170 retained).
Molecular consequence: synonymous variant. On other transcripts: intron variant (5).
Genome position (GRCh38, 1-based): chrX:41,727,536, T>C. VCF-style: chrX-41727536-T-C. GRCh37 (hg19) VCF-style: chrX-41586789-T-C.
Other names: c.429+11848A>G (NM_001126055.3, NM_001410745.1, NM_001126054.3 and 2 more transcripts).
Identifiers: ClinVar variation 2660355 (VCV002660355.24), dbSNP rs141461559, ClinGen allele CA10390546.